The following is an entry in ClinVar:

NM_000152.5(GAA):c.2702T>A (p.Leu901Gln)

Gene: GAA (alpha glucosidase; plus strand). Cytogenetic location: 17q25.3.
Variant type: single nucleotide variant.
Coding change: c.2702T>A on transcript NM_000152.5 (MANE Select); coding-DNA position 2702, T replaced by A.
Protein change: p.Leu901Gln; replaces leucine 901 with glutamine.
Molecular consequence: missense variant.
Genome position (GRCh38, 1-based): chr17:80,118,708, T>A. VCF-style: chr17-80118708-T-A. GRCh37 (hg19) VCF-style: chr17-78092507-T-A.
Other names: NM_000152.5(GAA):c.2702T>A; p.Leu901Gln; c.2702T>A, p.Leu901Gln (NM_001079803.3, NM_001079804.3, NM_001406741.1 and 1 more transcripts); short protein forms L901Q.
Identifiers: ClinVar variation 2585303 (VCV002585303.3), dbSNP rs2510404334, ClinGen allele CA401326888.

ClinVar aggregate classification (germline): Likely pathogenic. Review status: reviewed by expert panel (3 of 4 stars). 3 submissions from 3 submitters: Likely pathogenic (1). 2 of the submissions do not count toward it. Last evaluated 2026-08-04.

Conditions:
Glycogen storage disease, type II (IOPD). Also called: CARDIOMEGALIA GLYCOGENICA DIFFUSA; GLYCOGENOSIS, GENERALIZED, CARDIAC FORM; GSD II; Glycogen storage disease type 2; Acid maltase deficiency disease; Aglucosidase alfa. Identifiers: Orphanet 365, MedGen C0017921, MONDO:0009290, OMIM 232300.

Submissions (3):

ClinGen Lysosomal Storage Disorder Variant Curation Expert Panel
Classification: Likely pathogenic for Glycogen storage disease, type II. Last evaluated: 2026-08-04. Review status: reviewed by expert panel. Criteria: clingen_lsd_acmg_specifications_v2-1. Collection method: curation. Allele origin: germline. Inheritance: Autosomal recessive inheritance.
Comment: The NM_000152.5:c.2702T>A variant in GAA is a missense variant predicted to cause substitution of leucine by glutamine at amino acid 901 (p.Leu901Gln). At least one patient with this variant had documented GAA deficiency with 5.4% of normal mean control level of GAA activity in muscle and undetectable GAA activity in cultured fibroblasts (PP4_moderate). The patient was classified as having childhood onset Pompe disease (PMID: 15145338). This individual was compound heterozygous for the variant and a second pathogenic GAA variant confirmed in trans by parental testing (PM3). This variant is absent in gnomAD v4.1.0. (PM2_Supporting). When expressed in COS cells, this variant resulted in <1% GAA activity using 4-MUG and glycogen substrates. Western blot of transfected cell lysates showed impaired processing of the precursor protein to the mature form (PS3_moderate). The computational predictor REVEL gives a score of 0.923 which is above the threshold of 0.7, evidence that correlates with impact to GAA function (PP3). There is a ClinVar entry for this variant (Variation ID: 2585303). In summary, this variant meets the criteria to be classified as Likely Pathogenic for Pompe disease based on the GAA-specific ACMG/AMP criteria applied, as specified by the ClinGen Lysosomal Diseases Variant Curation Expert Panel (Specifications Version 2.0): PP4_moderate, PM3, PM2_supporting, PS3_moderate, PP3 (Classification approved by the ClinGen Lysosomal Diseases Variant Curation Expert Panel, August 4, 2026)

Genomenon, Inc
Classification: Likely pathogenic for Glycogen storage disease, type II. Last evaluated: 2026-07-01. Review status: criteria provided, single submitter. Criteria: Genomenon Sequence Variant Interpretation Standards - Updated. Collection method: curation. Allele origin: germline. Affected: yes. Not counted in ClinVar's aggregate classification.
Comment: GAA p.Leu901Gln (c.2702T>A) is a missense variant that changes the amino acid at codon 901 from Leucine to Glutamine. This variant has been observed in at least one proband with a GAA-related disorder in the compound heterozygous and/or homozygous state (PMID:15145338). At least one functional study has demonstrated a substantial alteration in protein function relative to the wild-type (PMID:15145338;19862843). It is absent or not present at a significant frequency in gnomAD. In silico models predict that this variant is possibly or probably damaging. In conclusion, we classify GAA p.Leu901Gln (c.2702T>A) as a likely pathogenic variant.

Neuberg Centre For Genomic Medicine, NCGM
Classification: Pathogenic for Glycogen storage disease, type II. Review status: criteria provided, single submitter. Criteria: ACMG Guidelines, 2015. Collection method: clinical testing. Allele origin: germline. Inheritance: Autosomal recessive inheritance. Affected: yes. Not counted in ClinVar's aggregate classification.
Comment: The missense variant c.2702T>A (p.Leu901Gln) in GAA gene has been reported in individuals affected with Pompe disease. Experimental studies have shown that p.Leu901Gln variant prevent the conversion of the 110-kDa acid a-glucosidase precursor into processed forms of 95- and 76-kDa (Kroos et al., 2004). The variant has been submitted to the GAA mutation database as Pathogenic/Likely Pathogenic. The p.Leu901Gln variant is novel (not in any individuals) in gnomAD Exomes and 1000 Genomes. The amino acid Leu at position 901 is changed to a Gln changing protein sequence and it might alter its composition and physico-chemical properties. The variant is predicted to be damaging by both SIFT and PolyPhen2. The residue is conserved across species. The amino acid change p.Leu901Gln in GAA is predicted as conserved by GERP++ and PhyloP across 100 vertebrates. For these reasons, this variant has been classified as Pathogenic.

Literature cited by the submitters: PubMed 15145338 (cited by ClinGen Lysosomal Storage Disorder Variant Curation Expert Panel and Genomenon, Inc); PubMed 19862843 (cited by Genomenon, Inc).